The following is an entry in ClinVar:

ClinVar aggregate classification (germline): Uncertain significance. Review status: criteria provided, multiple submitters, no conflicts (2 of 4 stars). 2 submissions from 2 submitters: Uncertain significance (2). Last evaluated 2024-04-29.

Conditions:
Mowat-Wilson syndrome (MOWS). Also called: Classic Mowat-Wilson Syndrome. Identifiers: Orphanet 2152, MedGen C1856113, MONDO:0009341, OMIM 235730.

Allele frequency attached by ClinVar (database versions not stated): gnomAD exomes below 0.00001; ExAC 0.00001.
gnomAD v4.1: 2 of 1,614,252 alleles (0.00012%); highest among the groups gnomAD compares: Non-Finnish European, 0.00017%; no homozygotes.

Submissions (2):

Labcorp Genetics (formerly Invitae), Labcorp
Classification: Uncertain significance for Mowat-Wilson syndrome. Last evaluated: 2024-04-29. Review status: criteria provided, single submitter. Criteria: Invitae Variant Classification Sherloc (09022015). Collection method: clinical testing. Allele origin: germline.
Comment: This sequence change replaces glutamic acid, which is acidic and polar, with aspartic acid, which is acidic and polar, at codon 165 of the ZEB2 protein (p.Glu165Asp). This variant is present in population databases (rs749634655, gnomAD 0.0009%). This variant has not been reported in the literature in individuals affected with ZEB2-related conditions. ClinVar contains an entry for this variant (Variation ID: 624149). Advanced modeling of protein sequence and biophysical properties (such as structural, functional, and spatial information, amino acid conservation, physicochemical variation, residue mobility, and thermodynamic stability) performed at Invitae indicates that this missense variant is expected to disrupt ZEB2 protein function with a positive predictive value of 80%. In summary, the available evidence is currently insufficient to determine the role of this variant in disease. Therefore, it has been classified as a Variant of Uncertain Significance.

CeGaT Center for Human Genetics Tuebingen
Classification: Uncertain significance. Last evaluated: 2018-09-01. Review status: criteria provided, single submitter. Criteria: CeGaT Center For Human Genetics Tuebingen Variant Classification Criteria Version 2. Collection method: clinical testing. Allele origin: germline. Affected: yes. Observed: 1 variant allele.

NM_014795.4(ZEB2):c.495G>T (p.Glu165Asp)

Genes: ZEB2 (zinc finger E-box binding homeobox 2; minus strand), LOC111721705 (skeletal muscle cis-regulatory module overlapping ZEB2; plus strand). Cytogenetic location: 2q22.3.
Variant type: single nucleotide variant.
Coding change: c.495G>T on transcript NM_014795.4 (MANE Select); coding-DNA position 495, G replaced by T.
Protein change: p.Glu165Asp; replaces glutamic acid 165 with aspartic acid.
Molecular consequence: missense variant.
Genome position (GRCh38, 1-based): chr2:144,404,933, C>A on the plus strand (G>T on the coding strand, the complement: ZEB2 is on the minus strand). VCF-style: chr2-144404933-C-A. GRCh37 (hg19) VCF-style: chr2-145162500-C-A.
Other names: c.423G>T, p.Glu141Asp (NM_001171653.2); short protein forms E165D, E141D.
Identifiers: ClinVar variation 624149 (VCV000624149.48), dbSNP rs749634655, ClinGen allele CA1898465.